The following is an entry in ClinVar:

ClinVar aggregate classification (germline): Conflicting classifications of pathogenicity. Review status: criteria provided, conflicting classifications (1 of 4 stars). 6 submissions from 5 submitters: Uncertain significance (2); Likely benign (4). Last evaluated 2024-06-15.

Conditions:
Catecholaminergic polymorphic ventricular tachycardia (CVPT). Also called: Catecholamine-induced polymorphic ventricular tachycardia. Identifiers: Orphanet 3286, MedGen C5574922, MONDO:0017990.
Cardiovascular phenotype. Identifiers: MedGen CN230736.
Arrhythmogenic right ventricular dysplasia 2. Identifiers: MedGen C1832931.
Cardiomyopathy (CMYO). Also called: Cardiomyopathies. Identifiers: Orphanet 167848, MedGen C0878544, MONDO:0004994, HP:0001638. Inheritance: Various modes of inheritance.
Catecholaminergic polymorphic ventricular tachycardia 1. Also called: RYR2-Related Catecholaminergic Polymorphic Ventricular Tachycardia; VENTRICULAR TACHYCARDIA, CATECHOLAMINERGIC POLYMORPHIC, 1, WITH OR WITHOUT ATRIAL DYSFUNCTION AND/OR DILATED CARDIOMYOPATHY; VENTRICULAR TACHYCARDIA, STRESS-INDUCED POLYMORPHIC 1. Identifiers: Orphanet 3286, MedGen C1631597, MONDO:0011484, OMIM 604772.

Allele frequency attached by ClinVar (database versions not stated): ExAC 0.00001; gnomAD 0.00001; gnomAD exomes 0.00001 and 0.00002; TOPMed 0.00001.
gnomAD v4.1: 33 of 1,613,738 alleles (0.002%); highest among the groups gnomAD compares: Non-Finnish European, 0.0023%; no homozygotes.

Submissions (6):

Labcorp Genetics (formerly Invitae), Labcorp
Classification: Likely benign for Catecholaminergic polymorphic ventricular tachycardia 1. Last evaluated: 2024-06-15. Review status: criteria provided, single submitter. Criteria: Invitae Variant Classification Sherloc (09022015). Collection method: clinical testing. Allele origin: germline.

All of Us Research Program, National Institutes of Health
Classification: Likely benign for Catecholaminergic polymorphic ventricular tachycardia. Last evaluated: 2023-11-02. Review status: criteria provided, single submitter. Criteria: ACMG Guidelines, 2015. Collection method: clinical testing. Allele origin: germline. Inheritance: Autosomal dominant inheritance. Observed: 3 variant alleles, 3 heterozygotes.
Comment: This study involves interpretation of variants in research participants for the purpose of population health screening. Participant phenotype was not available at the time of variant classification. Additional details can be found in publication PMID: 35346344, PMCID: PMC8962531

Ambry Genetics
Classification: Likely benign for Cardiovascular phenotype. Last evaluated: 2023-07-21. Review status: criteria provided, single submitter. Criteria: Ambry Variant Classification Scheme 2023. Collection method: clinical testing. Allele origin: germline.

Color Diagnostics, LLC DBA Color Health
Classification: Likely benign for Cardiomyopathy. Last evaluated: 2019-03-11. Review status: criteria provided, single submitter. Criteria: ACMG Guidelines, 2015. Collection method: clinical testing. Allele origin: germline.

Illumina Laboratory Services, Illumina
Classification: Uncertain significance for Catecholaminergic polymorphic ventricular tachycardia 1. Last evaluated: 2018-01-13. Review status: criteria provided, single submitter. Criteria: ICSL Variant Classification Criteria 13 December 2019. Collection method: clinical testing. Allele origin: germline.

Illumina Laboratory Services, Illumina
Classification: Uncertain significance for Catecholaminergic polymorphic ventricular tachycardia 1. Last evaluated: 2018-01-13. Review status: criteria provided, single submitter. Criteria: ICSL Variant Classification Criteria 13 December 2019. Collection method: clinical testing. Allele origin: germline.

NM_001035.3(RYR2):c.2175T>C (p.Tyr725=)

Gene: RYR2 (ryanodine receptor 2; plus strand). Cytogenetic location: 1q43.
Variant type: single nucleotide variant.
Coding change: c.2175T>C on transcript NM_001035.3 (MANE Select); coding-DNA position 2175, T replaced by C.
Protein change: p.Tyr725=; no amino-acid change (tyrosine 725 retained).
Molecular consequence: synonymous variant.
Genome position (GRCh38, 1-based): chr1:237,496,724, T>C. VCF-style: chr1-237496724-T-C. GRCh37 (hg19) VCF-style: chr1-237660024-T-C.
Identifiers: ClinVar variation 876050 (VCV000876050.17), dbSNP rs758813812, ClinGen allele CA085964.
Genomic context (GRCh38, chr1:237,496,724, plus strand): 5'-CTACCCTGGAGGGGGCGAAGAGTGGGGTGGAAATGGTGTTGGAGATGATCTCTTCTCCTA[T>C]GGATTTGATGGCCTTCATCTCTGGTCAGGTACGTACTATCCATTTTCTTTCACCGTGTTC-3'
Protein context (NP_001026.2, residues 715-735): GNGVGDDLFS[Tyr725=]GFDGLHLWSG